The following is an entry in ClinVar:

NM_015386.3(COG4):c.322C>G (p.Leu108Val)

Gene: COG4 (component of oligomeric golgi complex 4; minus strand). Cytogenetic location: 16q22.1.
Variant type: single nucleotide variant.
Coding change: c.322C>G on transcript NM_015386.3 (MANE Select); coding-DNA position 322, C replaced by G.
Protein change: p.Leu108Val; replaces leucine 108 with valine.
Molecular consequence: missense variant. On other transcripts: 5 prime UTR variant (1), non-coding transcript variant (1).
Genome position (GRCh38, 1-based): chr16:70,517,673, G>C on the plus strand (C>G on the coding strand, the complement: COG4 is on the minus strand). VCF-style: chr16-70517673-G-C. GRCh37 (hg19) VCF-style: chr16-70551576-G-C.
Other names: c.310C>G, p.Leu104Val (NM_001195139.2); c.-278C>G (NM_001365426.1); short protein forms L104V, L108V.
Identifiers: ClinVar variation 3359595 (VCV003359595.1).
Genomic context (GRCh38, chr16:70,517,673, plus strand): 5'-CTTGATGTATTACCTTGGCCAGGTCAAGCTGACGAACTTTGCTGGACACATTCTCAGCCA[G>C]GTTGCAGGTAAAGGTGATCATTCCAGCCAGCTGCTTTGCATCTCCCTCAATCAGCTGCAG-3'
Protein context (NP_056201.2, residues 98-118): LAGMITFTCN[Leu108Val]AENVSSKVRQ

ClinVar aggregate classification (germline): Uncertain significance (1 of 4 stars; one submission).

Submission:

GeneDx
Classification: Uncertain significance. Last evaluated: 2023-06-07. Review status: criteria provided, single submitter. Criteria: GeneDx Variant Classification Process June 2021. Collection method: clinical testing. Allele origin: germline. Affected: yes.
Comment: Not observed at significant frequency in large population cohorts (gnomAD); In silico analysis supports that this missense variant has a deleterious effect on protein structure/function; Has not been previously published as pathogenic or benign to our knowledge